The following is an entry in ClinVar:

ClinVar aggregate classification (germline): Uncertain significance (1 of 4 stars; one submission).

Conditions:
Encephalopathy, acute, infection-induced (herpes-specific), susceptibility to, 1. Also called: Herpes simplex encephalitis, susceptibility to, 1. Identifiers: Orphanet 1930, MedGen C2750180, MONDO:0024563, OMIM 610551.

Allele frequency attached by ClinVar (database versions not stated): gnomAD 0.00003 and 0.00004; gnomAD exomes 0.00007 and 0.00004; ExAC 0.00002; TOPMed 0.00006.
gnomAD v4.1: 103 of 1,614,092 alleles (0.0064%); highest among the groups gnomAD compares: Non-Finnish European, 0.0079%; no homozygotes.

Submission:

Labcorp Genetics (formerly Invitae), Labcorp
Classification: Uncertain significance for Encephalopathy, acute, infection-induced (herpes-specific), susceptibility to, 1. Last evaluated: 2025-08-24. Review status: criteria provided, single submitter. Criteria: Invitae Variant Classification Sherloc (09022015). Collection method: clinical testing. Allele origin: germline.
Comment: This sequence change replaces asparagine, which is neutral and polar, with isoleucine, which is neutral and non-polar, at codon 284 of the TLR3 protein (p.Asn284Ile). This variant is present in population databases (rs5743316, gnomAD 0.006%). This variant has not been reported in the literature in individuals affected with TLR3-related conditions. ClinVar contains an entry for this variant (Variation ID: 848389). An algorithm developed to predict the effect of missense changes on protein structure and function (PolyPhen-2) suggests that this variant is likely to be disruptive. Experimental studies are conflicting or provide insufficient evidence to determine the effect of this variant on TLR3 function (PMID: 17434873, 21911422). In summary, the available evidence is currently insufficient to determine the role of this variant in disease. Therefore, it has been classified as a Variant of Uncertain Significance.

Literature cited by the submitters: PubMed 17434873; PubMed 21911422.

NM_003265.3(TLR3):c.851A>T (p.Asn284Ile)

Gene: TLR3 (toll like receptor 3; plus strand). Cytogenetic location: 4q35.1.
Variant type: single nucleotide variant.
Coding change: c.851A>T on transcript NM_003265.3 (MANE Select); coding-DNA position 851, A replaced by T.
Protein change: p.Asn284Ile; replaces asparagine 284 with isoleucine.
Molecular consequence: missense variant.
Genome position (GRCh38, 1-based): chr4:186,082,537, A>T. VCF-style: chr4-186082537-A-T. GRCh37 (hg19) VCF-style: chr4-187003691-A-T.
Other names: short protein forms N284I.
Identifiers: ClinVar variation 848389 (VCV000848389.8), dbSNP rs5743316, ClinGen allele CA3161319.